The following is an entry in ClinVar:

ClinVar aggregate classification (germline): Likely pathogenic. Review status: criteria provided, multiple submitters, no conflicts (2 of 4 stars). 2 submissions from 2 submitters: Likely pathogenic (2). Last evaluated 2025-07-28.

Conditions:
Hereditary cancer-predisposing syndrome. Also called: Neoplastic Syndromes, Hereditary; Tumor predisposition; Hereditary neoplastic syndrome; Hereditary Cancer Syndrome. Identifiers: Orphanet 140162, MedGen C0027672, MeSH D009386, MONDO:0015356.
Cardiovascular phenotype. Identifiers: MedGen CN230736.

Allele frequency attached by ClinVar (database versions not stated): gnomAD exomes below 0.00001; TOPMed below 0.00001; ExAC 0.00002.
gnomAD v4.1: 2 of 1,605,532 alleles (0.00012%); highest among the groups gnomAD compares: East Asian, 0.0022%; no homozygotes.

Submissions (2):

Ambry Genetics
Classification: Likely pathogenic for Cardiovascular phenotype; Hereditary cancer-predisposing syndrome. Last evaluated: 2025-07-28. Review status: criteria provided, single submitter. Criteria: Ambry Variant Classification Scheme 2023. Collection method: clinical testing. Allele origin: germline.
Comment: The c.1942+1G>T intronic variant results from a G to T substitution one nucleotide after coding exon 16 of the LZTR1 gene. RNA studies have demonstrated that this alteration results in abnormal splicing in the set of samples tested (Ambry internal data). This variant is considered to be rare based on population cohorts in the Genome Aggregation Database (gnomAD). This nucleotide position is highly conserved in available vertebrate species. In silico splice site analysis predicts that this alteration will weaken the native splice donor site and will result in the creation or strengthening of a novel splice donor site. Loss-of-function variants in LZTR1 are related to an increased risk for schwannomas and autosomal recessive Noonan syndrome; however, such associations with autosomal dominant Noonan syndrome have not been observed (Piotrowski A et al. Nat Genet. 2014 Feb;46:182-7; Yamamoto GL et al. J Med Genet. 2015 Jun;52:413-21; Johnston JJ et al. Genet Med. 2018 10;20:1175-1185). Based on the supporting evidence, this variant is likely pathogenic for an increased risk of LZTR1-related schwannomatosis (SWN) and would be expected to cause autosomal recessive Noonan syndrome when present along with a second pathogenic or likely pathogenic variant on the other allele; however, the association of this alteration with autosomal dominant Noonan syndrome is unlikely.

Labcorp Genetics (formerly Invitae), Labcorp
Classification: Likely pathogenic. Last evaluated: 2024-12-22. Review status: criteria provided, single submitter. Criteria: Invitae Variant Classification Sherloc (09022015). Collection method: clinical testing. Allele origin: germline.
Comment: This sequence change affects a donor splice site in intron 16 of the LZTR1 gene. It is expected to disrupt RNA splicing. Variants that disrupt the donor or acceptor splice site typically lead to a loss of protein function (PMID: 16199547), and loss-of-function variants in LZTR1 are known to be pathogenic (PMID: 24362817, 25335493, 25480913, 25795793, 29469822, 30368668, 30442762, 30442766, 30481304, 30859559). This variant is present in population databases (rs765095992, gnomAD 0.006%). This variant has not been reported in the literature in individuals affected with LZTR1-related conditions. ClinVar contains an entry for this variant (Variation ID: 3238171). Algorithms developed to predict the effect of sequence changes on RNA splicing suggest that this variant may disrupt the consensus splice site. In summary, the currently available evidence indicates that the variant is pathogenic, but additional data are needed to prove that conclusively. Therefore, this variant has been classified as Likely Pathogenic.

Literature cited by the submitters: PubMed 16199547 (cited by Labcorp Genetics (formerly Invitae), Labcorp); PubMed 24362817 (cited by Labcorp Genetics (formerly Invitae), Labcorp); PubMed 25335493 (cited by Labcorp Genetics (formerly Invitae), Labcorp); PubMed 25480913 (cited by Labcorp Genetics (formerly Invitae), Labcorp); PubMed 25795793 (cited by Labcorp Genetics (formerly Invitae), Labcorp); PubMed 29469822 (cited by Labcorp Genetics (formerly Invitae), Labcorp); PubMed 30368668 (cited by Labcorp Genetics (formerly Invitae), Labcorp); PubMed 30442762 (cited by Labcorp Genetics (formerly Invitae), Labcorp); PubMed 30442766 (cited by Labcorp Genetics (formerly Invitae), Labcorp); PubMed 30481304 (cited by Labcorp Genetics (formerly Invitae), Labcorp); PubMed 30859559 (cited by Labcorp Genetics (formerly Invitae), Labcorp).

NM_006767.4(LZTR1):c.1942+1G>T

Gene: LZTR1 (leucine zipper like post translational regulator 1; plus strand). Cytogenetic location: 22q11.21.
Variant type: single nucleotide variant.
Coding change: c.1942+1G>T on transcript NM_006767.4 (MANE Select); the canonical splice donor site of the intron after coding-DNA position 1942, G replaced by T.
Molecular consequence: splice donor variant.
Genome position (GRCh38, 1-based): chr22:20,995,027, G>T. VCF-style: chr22-20995027-G-T. GRCh37 (hg19) VCF-style: chr22-21349316-G-T.
Identifiers: ClinVar variation 3238171 (VCV003238171.5), dbSNP rs765095992.
Genomic context (GRCh38, chr22:20,995,027, plus strand): 5'-TTGTGCGGCGGAAGCAGCAGCCGCCCCCTCGCACTCCCTTGGACCAGCCAGTGGACATTG[G>T]TAGGGAGCCCCGTTCCCCTTCCCTGGGGGCTGGGAGGGATGGTGTTCATCTGCGGTAGGA-3'